The following is an entry in ClinVar:

NM_144997.7(FLCN):c.809C>G (p.Thr270Ser)

Gene: FLCN (folliculin; minus strand). Cytogenetic location: 17p11.2.
Variant type: single nucleotide variant.
Coding change: c.809C>G on transcript NM_144997.7 (MANE Select); coding-DNA position 809, C replaced by G.
Protein change: p.Thr270Ser; replaces threonine 270 with serine.
Molecular consequence: missense variant.
Genome position (GRCh38, 1-based): chr17:17,221,599, G>C on the plus strand (C>G on the coding strand, the complement: FLCN is on the minus strand). VCF-style: chr17-17221599-G-C. GRCh37 (hg19) VCF-style: chr17-17124913-G-C.
Other names: c.863C>G, p.Thr288Ser (NM_001353229.2); c.809C>G, p.Thr270Ser (NM_001353230.2, NM_001353231.2, NM_144606.7); short protein forms T270S, T288S.
Identifiers: ClinVar variation 1466876 (VCV001466876.8), dbSNP rs1366418441, ClinGen allele CA398533745.

ClinVar aggregate classification (germline): Uncertain significance (1 of 4 stars; one submission).

Conditions:
Birt-Hogg-Dube syndrome. Also called: Birt Hogg Dubé syndrome. Identifiers: Orphanet 122, MedGen C0346010, MONDO:0800444.

Submission:

Labcorp Genetics (formerly Invitae), Labcorp
Classification: Uncertain significance for Birt-Hogg-Dube syndrome. Last evaluated: 2021-01-07. Review status: criteria provided, single submitter. Criteria: Invitae Variant Classification Sherloc (09022015). Collection method: clinical testing. Allele origin: germline.
Comment: In summary, the available evidence is currently insufficient to determine the role of this variant in disease. Therefore, it has been classified as a Variant of Uncertain Significance. This sequence change replaces threonine with serine at codon 270 of the FLCN protein (p.Thr270Ser). The threonine residue is highly conserved and there is a small physicochemical difference between threonine and serine. This variant is not present in population databases (ExAC no frequency). This variant has not been reported in the literature in individuals with FLCN-related conditions. Algorithms developed to predict the effect of missense changes on protein structure and function (SIFT, PolyPhen-2, Align-GVGD) all suggest that this variant is likely to be tolerated, but these predictions have not been confirmed by published functional studies and their clinical significance is uncertain.